The following is an entry in ClinVar:

ClinVar aggregate classification (germline): Uncertain significance. Review status: criteria provided, multiple submitters, no conflicts (2 of 4 stars). 2 submissions from 2 submitters: Uncertain significance (2). Last evaluated 2024-07-07.

Submissions (2):

GeneDx
Classification: Uncertain significance. Last evaluated: 2024-07-07. Review status: criteria provided, single submitter. Criteria: GeneDx Variant Classification Process June 2021. Collection method: clinical testing. Allele origin: germline. Affected: yes.
Comment: Observed as a maternally inherited variant in an individual with a complex neurodevelopmental phenotype; however, the authors concluded that a de novo variant in a different gene was causative of the the phenotype (PMID: 38058756); Not observed at significant frequency in large population cohorts (gnomAD); In silico analysis supports that this missense variant has a deleterious effect on protein structure/function; This variant is associated with the following publications: (PMID: 38058756)

Blueprint Genetics
Classification: Uncertain significance. Last evaluated: 2021-03-02. Review status: criteria provided, single submitter. Criteria: ACMG Guidelines, 2015. Collection method: clinical testing. Allele origin: germline.

NM_005121.3(MED13):c.2770C>T (p.Pro924Ser)

Gene: MED13 (mediator complex subunit 13; minus strand). Cytogenetic location: 17q23.2.
Variant type: single nucleotide variant.
Coding change: c.2770C>T on transcript NM_005121.3 (MANE Select); coding-DNA position 2770, C replaced by T.
Protein change: p.Pro924Ser; replaces proline 924 with serine.
Molecular consequence: missense variant.
Genome position (GRCh38, 1-based): chr17:61,984,289, G>A on the plus strand (C>T on the coding strand, the complement: MED13 is on the minus strand). VCF-style: chr17-61984289-G-A. GRCh37 (hg19) VCF-style: chr17-60061650-G-A.
Other names: short protein forms P924S.
Identifiers: ClinVar variation 3572690 (VCV003572690.2).